The following is an entry in ClinVar:

ClinVar aggregate classification (germline): Likely pathogenic. Review status: criteria provided, single submitter (1 of 4 stars). 2 submissions from 2 submitters: Likely pathogenic (1). 1 of the submissions does not count toward it. Last evaluated 2019-06-28.

Conditions:
Hereditary insensitivity to pain with anhidrosis (CIPA). Also called: NTRK1 Congenital Insensitivity to Pain with Anhidrosis; NEUROPATHY, CONGENITAL SENSORY, WITH ANHIDROSIS; HSAN Type IV; hereditary sensory and autonomic neuropathy type 4; FAMILIAL DYSAUTONOMIA, TYPE II; INSENSITIVITY TO PAIN, CONGENITAL, WITH ANHIDROSIS. Identifiers: Orphanet 642, MedGen C0020074, MONDO:0009746, OMIM 256800.
Charcot-Marie-Tooth disease. Also called: Charcot-Marie-Tooth Hereditary Neuropathy; Charcot-Marie-Tooth Neuropathy. Identifiers: Orphanet 166, MedGen C0007959, MONDO:0015626.

Submissions (2):

Labcorp Genetics (formerly Invitae), Labcorp
Classification: Likely pathogenic for Hereditary insensitivity to pain with anhidrosis. Last evaluated: 2019-06-28. Review status: criteria provided, single submitter. Criteria: Invitae Variant Classification Sherloc (09022015). Collection method: clinical testing. Allele origin: germline.
Comment: This variant is a deletion of the genomic region encompassing part of exon 3 (c.354_359+3del) of the NTRK1 gene. It is expected to disrupt RNA splicing and likely results in an absent or disrupted protein product. This variant has been observed to be homozygous in an individual affected with hereditary sensory and autonomic neuropathy (PMID: 18322713). Loss-of-function variants in NTRK1 are known to be pathogenic (PMID: 10982191). In summary, the currently available evidence indicates that the variant is pathogenic, but additional data are needed to prove that conclusively. Therefore, this variant has been classified as Likely Pathogenic.

Inherited Neuropathy Consortium
Classification: Uncertain significance for Charcot-Marie-Tooth disease. Review status: no assertion criteria provided. Collection method: literature only. Allele origin: germline. Affected: yes. Not counted in ClinVar's aggregate classification.

Literature cited by the submitters: PubMed 18322713 (cited by Labcorp Genetics (formerly Invitae), Labcorp and Inherited Neuropathy Consortium); PubMed 10982191 (cited by Labcorp Genetics (formerly Invitae), Labcorp).

NM_002529.4(NTRK1):c.354_359+3del

Gene: NTRK1 (neurotrophic receptor tyrosine kinase 1; plus strand). Cytogenetic location: 1q23.1.
Variant type: Deletion.
Coding change: c.354_359+3del on transcript NM_002529.4 (MANE Select); coding-DNA position 354 through 3 bases into the intron after coding-DNA position 359, 9 bases deleted (TCGCCTGTG; older notation c.354_359+3delTCGCCTGTG).
Molecular consequence: splice donor variant.
Genome position (GRCh38, 1-based): chr1:156,864,794-156,864,802, TCGCCTGTG deleted; deleting any 9 consecutive bases within chr1:156,864,793-156,864,802 gives the same sequence; the c. name uses the placement nearest the transcript's 3' end. VCF-style (leftmost placement, unchanged base first): chr1-156864792-AGTCGCCTGT-A. GRCh37 (hg19) VCF-style: chr1-156834584-AGTCGCCTGT-A.
Other names: c.264_269+3del (NM_001007792.1); c.354_359+3del (NM_001012331.2); c.354_359+3delTCGCCTGTG (NM_001012331.1).
Identifiers: ClinVar variation 637368 (VCV000637368.9), dbSNP rs1571685736, ClinGen allele CA915941482.